The following is an entry in ClinVar:

ClinVar aggregate classification (germline): Likely benign. Review status: criteria provided, multiple submitters, no conflicts (2 of 4 stars). 3 submissions from 3 submitters: Likely benign (3). Last evaluated 2024-10-09.

Conditions:
Hereditary cancer-predisposing syndrome. Also called: Hereditary neoplastic syndrome; Hereditary Cancer Syndrome; Tumor predisposition; Neoplastic Syndromes, Hereditary. Identifiers: Orphanet 140162, MedGen C0027672, MeSH D009386, MONDO:0015356.
Familial cancer of breast. Also called: hereditary breast carcinoma; BREAST CANCER, FAMILIAL; Hereditary breast cancer. Identifiers: Orphanet 227535, MedGen C0346153, MONDO:0016419, OMIM 114480. Disease mechanism: loss of function.
Ataxia-telangiectasia syndrome (AT). Also called: Cerebello-oculocutaneous telangiectasia; Immunodeficiency with ataxia telangiectasia; LOUIS-BAR SYNDROME; Ataxia-telangiectasia, complementation group D; AT, COMPLEMENTATION GROUP C; Ataxia-telangiectasia, complementation group E. Identifiers: Orphanet 100, MedGen C0004135, MONDO:0008840, OMIM 208900.

Submissions (3):

Labcorp Genetics (formerly Invitae), Labcorp
Classification: Likely benign for Ataxia-telangiectasia syndrome. Last evaluated: 2024-10-09. Review status: criteria provided, single submitter. Criteria: Invitae Variant Classification Sherloc (09022015). Collection method: clinical testing. Allele origin: germline.

Myriad Genetics, Inc.
Classification: Likely benign for Familial cancer of breast. Last evaluated: 2024-05-15. Review status: criteria provided, single submitter. Criteria: Myriad Autosomal Dominant, Autosomal Recessive and X-Linked Classification Criteria (2023). Collection method: clinical testing. Allele origin: unknown.
Comment: This variant is considered likely benign. This variant is intronic and is not expected to impact mRNA splicing.

Color Diagnostics, LLC DBA Color Health
Classification: Likely benign for Hereditary cancer-predisposing syndrome. Last evaluated: 2021-10-25. Review status: criteria provided, single submitter. Criteria: ACMG Guidelines, 2015. Collection method: clinical testing. Allele origin: germline.

NM_000051.4(ATM):c.3577-11G>C

Gene: ATM (ATM serine/threonine kinase; plus strand). Cytogenetic location: 11q22.3.
Variant type: single nucleotide variant.
Coding change: c.3577-11G>C on transcript NM_000051.4 (MANE Select); 11 bases into the intron before coding-DNA position 3577, G replaced by C.
Molecular consequence: intron variant.
Genome position (GRCh38, 1-based): chr11:108,282,699, G>C. VCF-style: chr11-108282699-G-C. GRCh37 (hg19) VCF-style: chr11-108153426-G-C.
Other names: c.3577-11G>C (NM_001351834.2).
Identifiers: ClinVar variation 1672768 (VCV001672768.11), dbSNP rs2135685988, ClinGen allele CA2573146531.